The following is an entry in ClinVar:

ClinVar aggregate classification (germline): Uncertain significance (1 of 4 stars; one submission).

Allele frequency attached by ClinVar (database versions not stated): gnomAD exomes 0.00001.
gnomAD v4.1: 12 of 1,552,156 alleles (0.00077%); highest among the groups gnomAD compares: East Asian, 0.0024%; no homozygotes.

Submission:

Labcorp Genetics (formerly Invitae), Labcorp
Classification: Uncertain significance. Last evaluated: 2024-12-02. Review status: criteria provided, single submitter. Criteria: Invitae Variant Classification Sherloc (09022015). Collection method: clinical testing. Allele origin: germline.
Comment: This sequence change replaces arginine with glutamine at codon 620 of the UNC80 protein (p.Arg620Gln). The arginine residue is moderately conserved and there is a small physicochemical difference between arginine and glutamine. This variant is present in population databases (no rsID available, gnomAD 0.01%). This variant has not been reported in the literature in individuals affected with UNC80-related conditions. ClinVar contains an entry for this variant (Variation ID: 1359456). An algorithm developed to predict the effect of missense changes on protein structure and function (PolyPhen-2) suggests that this variant is likely to be disruptive. In summary, the available evidence is currently insufficient to determine the role of this variant in disease. Therefore, it has been classified as a Variant of Uncertain Significance.

NM_001371986.1(UNC80):c.1859G>A (p.Arg620Gln)

Gene: UNC80 (unc-80 subunit of NALCN channel complex; plus strand). Cytogenetic location: 2q34.
Variant type: single nucleotide variant.
Coding change: c.1859G>A on transcript NM_001371986.1 (MANE Select); coding-DNA position 1859, G replaced by A.
Protein change: p.Arg620Gln; replaces arginine 620 with glutamine.
Molecular consequence: missense variant.
Genome position (GRCh38, 1-based): chr2:209,819,158, G>A. VCF-style: chr2-209819158-G-A. GRCh37 (hg19) VCF-style: chr2-210683882-G-A.
Other names: c.1859G>A, p.Arg620Gln (NM_032504.2, NM_182587.4); short protein forms R620Q.
Identifiers: ClinVar variation 1359456 (VCV001359456.5), dbSNP rs1302827621, ClinGen allele CA350135827.